The following is an entry in ClinVar:

NM_001283009.2(RTEL1):c.2740A>G (p.Thr914Ala)

Genes: RTEL1 (regulator of telomere elongation helicase 1; plus strand), RTEL1-TNFRSF6B (RTEL1-TNFRSF6B readthrough (NMD candidate); plus strand). Cytogenetic location: 20q13.33.
Variant type: single nucleotide variant.
Coding change: c.2740A>G on transcript NM_001283009.2 (MANE Select); coding-DNA position 2740, A replaced by G.
Protein change: p.Thr914Ala; replaces threonine 914 with alanine.
Molecular consequence: missense variant. On other transcripts: non-coding transcript variant (1).
Genome position (GRCh38, 1-based): chr20:63,692,892, A>G. VCF-style: chr20-63692892-A-G. GRCh37 (hg19) VCF-style: chr20-62324245-A-G.
Other names: c.2071A>G, p.Thr691Ala (NM_001283010.1); c.2740A>G, p.Thr914Ala (NM_016434.4); c.2812A>G, p.Thr938Ala (NM_032957.5); short protein forms T691A, T914A, T938A.
Identifiers: ClinVar variation 2949146 (VCV002949146.4), dbSNP rs1375497624, ClinGen allele CA409682945.

ClinVar aggregate classification (germline): Uncertain significance. Review status: criteria provided, multiple submitters, no conflicts (2 of 4 stars). 2 submissions from 2 submitters: Uncertain significance (2). Last evaluated 2025-08-05.

Conditions:
Dyskeratosis congenita, autosomal recessive 5 (DKCB5). Identifiers: MedGen C3554656, MONDO:0014076, OMIM 615190.
Pulmonary fibrosis and/or bone marrow failure, Telomere-related, 3. Also called: PULMONARY FIBROSIS AND/OR BONE MARROW FAILURE SYNDROME, TELOMERE-RELATED, 3. Identifiers: Orphanet 2032, MedGen C4225346, MONDO:0014613, OMIM 616373.
Inborn genetic diseases. Identifiers: MedGen C0950123, MeSH D030342.

Allele frequency attached by ClinVar (database versions not stated): gnomAD exomes below 0.00001.
gnomAD v4.1: 5 of 1,612,576 alleles (0.00031%); highest among the groups gnomAD compares: South Asian, 0.0055%; no homozygotes.

Submissions (2):

Ambry Genetics
Classification: Uncertain significance for Inborn genetic diseases. Last evaluated: 2025-08-05. Review status: criteria provided, single submitter. Criteria: Ambry Variant Classification Scheme 2023. Collection method: clinical testing. Allele origin: germline.
Comment: The p.T914A variant (also known as c.2740A>G), located in coding exon 28 of the RTEL1 gene, results from an A to G substitution at nucleotide position 2740. The threonine at codon 914 is replaced by alanine, an amino acid with similar properties. This amino acid position is conserved. In addition, this alteration is predicted to be tolerated by in silico analysis. Based on the available evidence, the clinical significance of this variant remains unclear.

Labcorp Genetics (formerly Invitae), Labcorp
Classification: Uncertain significance for Dyskeratosis congenita, autosomal recessive 5; Pulmonary fibrosis and/or bone marrow failure, Telomere-related, 3. Last evaluated: 2023-09-17. Review status: criteria provided, single submitter. Criteria: Invitae Variant Classification Sherloc (09022015). Collection method: clinical testing. Allele origin: germline.
Comment: This sequence change replaces threonine, which is neutral and polar, with alanine, which is neutral and non-polar, at codon 914 of the RTEL1 protein (p.Thr914Ala). In summary, the available evidence is currently insufficient to determine the role of this variant in disease. Therefore, it has been classified as a Variant of Uncertain Significance. Algorithms developed to predict the effect of missense changes on protein structure and function output the following: SIFT: "Not Available"; PolyPhen-2: "Benign"; Align-GVGD: "Not Available". The alanine amino acid residue is found in multiple mammalian species, which suggests that this missense change does not adversely affect protein function. This variant has not been reported in the literature in individuals affected with RTEL1-related conditions. This variant is present in population databases (no rsID available, gnomAD 0.006%).